The following is an entry in ClinVar:

NM_014974.3(DIP2C):c.3454-80_3454-11del

Gene: DIP2C (DIP2 acetate--CoA ligase C (putative); minus strand). Cytogenetic location: 10p15.3.
Variant type: Deletion.
Coding change: c.3454-80_3454-11del on transcript NM_014974.3 (MANE Select); 80 bases into the intron before coding-DNA position 3454 through 11 bases into the intron before coding-DNA position 3454, 70 bases deleted.
Molecular consequence: intron variant.
Genome position (GRCh38, 1-based): chr10:341,340-341,409, 70 bases deleted. GRCh37 (hg19): chr10:387,292-387,361.
Identifiers: ClinVar variation 3674517 (VCV003674517.2).

ClinVar aggregate classification (germline): Uncertain significance (1 of 4 stars; one submission).

Submission:

Labcorp Genetics (formerly Invitae), Labcorp
Classification: Uncertain significance. Last evaluated: 2024-04-26. Review status: criteria provided, single submitter. Criteria: Invitae Variant Classification Sherloc (09022015). Collection method: clinical testing. Allele origin: germline.
Comment: This sequence change falls in intron 28 of the DIP2C gene. It does not directly change the encoded amino acid sequence of the DIP2C protein. The frequency data for this variant in the population databases is considered unreliable, as metrics indicate poor data quality at this position in the gnomAD database. This variant has not been reported in the literature in individuals affected with DIP2C-related conditions. Experimental studies and prediction algorithms are not available or were not evaluated, and the functional significance of this variant is currently unknown. In summary, the available evidence is currently insufficient to determine the role of this variant in disease. Therefore, it has been classified as a Variant of Uncertain Significance.